The following is an entry in ClinVar:

NM_017780.4(CHD7):c.2939T>C (p.Leu980Pro)

Gene: CHD7 (chromodomain helicase DNA binding protein 7; plus strand). Cytogenetic location: 8q12.2.
Variant type: single nucleotide variant.
Coding change: c.2939T>C on transcript NM_017780.4 (MANE Select); coding-DNA position 2939, T replaced by C.
Protein change: p.Leu980Pro; replaces leucine 980 with proline.
Molecular consequence: missense variant. On other transcripts: intron variant (1).
Genome position (GRCh38, 1-based): chr8:60,822,127, T>C. VCF-style: chr8-60822127-T-C. GRCh37 (hg19) VCF-style: chr8-61734686-T-C.
Other names: c.1717-40102T>C (NM_001316690.1); short protein forms L980P.
Identifiers: ClinVar variation 4746289 (VCV004746289.1).
Genomic context (GRCh38, chr8:60,822,127, plus strand): 5'-GGGAGTATAAAAACAATAACAAACTCAGGGAATACCAGTTGGAGGGAGTAAACTGGCTAC[T>C]TTTCAATTGGTACAACATGTATGTAAAACAAGTTTTTCTTCACTTTTAAATATATCTGTA-3'
Protein context (NP_060250.2, residues 970-990): EYQLEGVNWL[Leu980Pro]FNWYNMRNCI

ClinVar aggregate classification (germline): Pathogenic (1 of 4 stars; one submission).

Conditions:
CHARGE syndrome (CHARGE). Also called: Hittner Hirsch Kreh syndrome; CHARGE ASSOCIATION--COLOBOMA, HEART ANOMALY, CHOANAL ATRESIA, RETARDATION, GENITAL AND EAR ANOMALIES; Coloboma, heart anomaly, choanal atresia, retardation, genital and ear anomalies; CHARGE association; Hall-Hittner syndrome. Identifiers: Orphanet 138, MedGen C0265354, MONDO:0008965.

Submission:

Labcorp Genetics (formerly Invitae), Labcorp
Classification: Pathogenic for CHARGE syndrome. Last evaluated: 2025-03-18. Review status: criteria provided, single submitter. Criteria: Invitae Variant Classification Sherloc (09022015). Collection method: clinical testing. Allele origin: germline.
Comment: This sequence change replaces leucine, which is neutral and non-polar, with proline, which is neutral and non-polar, at codon 980 of the CHD7 protein (p.Leu980Pro). This variant is not present in population databases (gnomAD no frequency). This missense change has been observed in individual(s) with CHARGE syndrome (PMID: 36502621). In at least one individual the variant was observed to be de novo. Invitae Evidence Modeling of protein sequence and biophysical properties (such as structural, functional, and spatial information, amino acid conservation, physicochemical variation, residue mobility, and thermodynamic stability) indicates that this missense variant is expected to disrupt CHD7 protein function with a positive predictive value of 95%. For these reasons, this variant has been classified as Pathogenic.

Literature cited by the submitters: PubMed 36502621.